The following is an entry in ClinVar:

ClinVar aggregate classification (germline): Uncertain significance (1 of 4 stars; one submission).

Conditions:
Mucopolysaccharidosis, MPS-IV-A (MPS4A). Also called: MORQUIO SYNDROME A; MPS IVA; GALACTOSAMINE-6-SULFATASE DEFICIENCY; GALNS DEFICIENCY; MORQUIO A DISEASE; mucopolysaccharidosis type 4A. Identifiers: Orphanet 309297, Orphanet 582, MedGen C0086651, MONDO:0009659, OMIM 253000.

Allele frequency attached by ClinVar (database versions not stated): gnomAD exomes below 0.00001; TOPMed below 0.00001.
gnomAD v4.1: 1 of 1,561,400 alleles (0.000064%); highest among the groups gnomAD compares: Non-Finnish European, 0.000087%; no homozygotes.

Submission:

Labcorp Genetics (formerly Invitae), Labcorp
Classification: Uncertain significance for Mucopolysaccharidosis, MPS-IV-A. Last evaluated: 2022-02-24. Review status: criteria provided, single submitter. Criteria: Invitae Variant Classification Sherloc (09022015). Collection method: clinical testing. Allele origin: germline.
Comment: This sequence change replaces leucine, which is neutral and non-polar, with phenylalanine, which is neutral and non-polar, at codon 519 of the GALNS protein (p.Leu519Phe). This variant is not present in population databases (gnomAD no frequency). In summary, the available evidence is currently insufficient to determine the role of this variant in disease. Therefore, it has been classified as a Variant of Uncertain Significance. Advanced modeling of protein sequence and biophysical properties (such as structural, functional, and spatial information, amino acid conservation, physicochemical variation, residue mobility, and thermodynamic stability) performed at Invitae indicates that this missense variant is not expected to disrupt GALNS protein function. ClinVar contains an entry for this variant (Variation ID: 659924). This variant has not been reported in the literature in individuals affected with GALNS-related conditions.

NM_000512.5(GALNS):c.1555C>T (p.Leu519Phe)

Gene: GALNS (galactosamine (N-acetyl)-6-sulfatase; minus strand). Cytogenetic location: 16q24.3.
Variant type: single nucleotide variant.
Coding change: c.1555C>T on transcript NM_000512.5 (MANE Select); coding-DNA position 1555, C replaced by T.
Protein change: p.Leu519Phe; replaces leucine 519 with phenylalanine.
Molecular consequence: missense variant.
Genome position (GRCh38, 1-based): chr16:88,814,453, G>A on the plus strand (C>T on the coding strand, the complement: GALNS is on the minus strand). VCF-style: chr16-88814453-G-A. GRCh37 (hg19) VCF-style: chr16-88880861-G-A.
Other names: c.1000C>T, p.Leu334Phe (NM_001323543.2); c.1573C>T, p.Leu525Phe (NM_001323544.2); short protein forms L334F, L519F, L525F.
Identifiers: ClinVar variation 659924 (VCV000659924.10), dbSNP rs1597515354, ClinGen allele CA397092466.